The following is an entry in ClinVar:

NM_000020.3(ACVRL1):c.499T>C (p.Ser167Pro)

Gene: ACVRL1 (activin A receptor like type 1; plus strand). Cytogenetic location: 12q13.13.
Variant type: single nucleotide variant.
Coding change: c.499T>C on transcript NM_000020.3 (MANE Select); coding-DNA position 499, T replaced by C.
Protein change: p.Ser167Pro; replaces serine 167 with proline.
Molecular consequence: missense variant.
Genome position (GRCh38, 1-based): chr12:51,913,744, T>C. VCF-style: chr12-51913744-T-C. GRCh37 (hg19) VCF-style: chr12-52307528-T-C.
Other names: c.499T>C, p.Ser167Pro (NM_001077401.2, NM_001406487.1, NM_001406488.1 and 1 more transcripts); short protein forms S167P.
Identifiers: ClinVar variation 2062847 (VCV002062847.5), dbSNP rs756100938, ClinGen allele CA6572915.
Genomic context (GRCh38, chr12:51,913,744, plus strand): 5'-CAGGAGAAGCAGCGTGGCCTGCACAGCGAGCTGGGAGAGTCCAGTCTCATCCTGAAAGCA[T>C]CTGAGCAGGGCGACAGCATGTTGGGGGTATGGGCCTGGGGACCTGGGACACAGGGTGTAG-3'
Protein context (NP_000011.2, residues 157-177): LGESSLILKA[Ser167Pro]EQGDSMLGDL

ClinVar aggregate classification (germline): Uncertain significance. Review status: criteria provided, multiple submitters, no conflicts (2 of 4 stars). 2 submissions from 2 submitters: Uncertain significance (2). Last evaluated 2026-04-24.

Conditions:
Telangiectasia, hereditary hemorrhagic, type 2 (HHT2). Also called: ACVRL1-Related Hereditary Hemorrhagic Telangiectasia; Telangiectasia, hereditary hemorrhagic, type II. Identifiers: Orphanet 774, MedGen C1838163, MONDO:0010880, OMIM 600376. Disease mechanism: loss of function.

Allele frequency attached by ClinVar (database versions not stated): ExAC 0.00001.
gnomAD v4.1: 3 of 1,611,908 alleles (0.00019%); highest among the groups gnomAD compares: Admixed American, 0.0017%; no homozygotes.

Submissions (2):

GeneDx
Classification: Uncertain significance. Last evaluated: 2026-04-24. Review status: criteria provided, single submitter. Criteria: GeneDx Variant Classification Process June 2021. Collection method: clinical testing. Allele origin: germline.
Comment: Not observed at significant frequency in large population cohorts (gnomAD); In silico analysis suggests that this missense variant does not alter protein structure/function; Has not been previously published as pathogenic or benign to our knowledge

Labcorp Genetics (formerly Invitae), Labcorp
Classification: Uncertain significance for Telangiectasia, hereditary hemorrhagic, type 2. Last evaluated: 2022-07-05. Review status: criteria provided, single submitter. Criteria: Invitae Variant Classification Sherloc (09022015). Collection method: clinical testing. Allele origin: germline.
Comment: In summary, the available evidence is currently insufficient to determine the role of this variant in disease. Therefore, it has been classified as a Variant of Uncertain Significance. Advanced modeling of protein sequence and biophysical properties (such as structural, functional, and spatial information, amino acid conservation, physicochemical variation, residue mobility, and thermodynamic stability) performed at Invitae indicates that this missense variant is expected to disrupt ACVRL1 protein function. This variant has not been reported in the literature in individuals affected with ACVRL1-related conditions. This variant is present in population databases (rs756100938, gnomAD 0.0009%). This sequence change replaces serine, which is neutral and polar, with proline, which is neutral and non-polar, at codon 167 of the ACVRL1 protein (p.Ser167Pro).